The following is an entry in ClinVar:

NC_000009.11:g.(?_111679817)_(111679960_?)del

Gene: ELP1 (elongator acetyltransferase complex subunit 1; minus strand). Cytogenetic location: 9q31.3.
Variant type: Deletion.
Identifiers: ClinVar variation 2424713 (VCV002424713.3).

ClinVar aggregate classification (germline): Pathogenic (1 of 4 stars; one submission).

Submission:

Labcorp Genetics (formerly Invitae), Labcorp
Classification: Pathogenic. Last evaluated: 2022-08-21. Review status: criteria provided, single submitter. Criteria: Invitae Variant Classification Sherloc (09022015). Collection method: clinical testing. Allele origin: germline.
Comment: This variant is a gross deletion of the genomic region encompassing exon(s) 9 of the ELP1 gene. This deletion is out-of-frame, and is expected to create a premature termination codon and result in an absent or disrupted protein product. Loss-of-function variants in ELP1 are known to be pathogenic (PMID: 18303054, 24173031). This variant has not been reported in the literature in individuals affected with ELP1-related conditions. For these reasons, this variant has been classified as Pathogenic.

Literature cited by the submitters: PubMed 18303054; PubMed 24173031.